The following is an entry in ClinVar:

NM_004360.5(CDH1):c.1266A>G (p.Gln422=)

Gene: CDH1 (cadherin 1; plus strand). Cytogenetic location: 16q22.1.
Variant type: single nucleotide variant.
Coding change: c.1266A>G on transcript NM_004360.5 (MANE Select); coding-DNA position 1266, A replaced by G.
Protein change: p.Gln422=; no amino-acid change (glutamine 422 retained).
Molecular consequence: synonymous variant. On other transcripts: 5 prime UTR variant (2), intron variant (1).
Genome position (GRCh38, 1-based): chr16:68,813,441, A>G. VCF-style: chr16-68813441-A-G. GRCh37 (hg19) VCF-style: chr16-68847344-A-G.
Other names: c.1266A>G (LRG_301t1); c.-350A>G (NM_001317185.2); c.-554A>G (NM_001317186.2); c.1137+1178A>G (NM_001317184.2).
Identifiers: ClinVar variation 185874 (VCV000185874.21), dbSNP rs776805501, ClinGen allele CA193228.

ClinVar aggregate classification (germline): Benign/Likely benign. Review status: criteria provided, multiple submitters, no conflicts (2 of 4 stars). 8 submissions from 8 submitters: Benign (1); Likely benign (5). 2 of the submissions do not count toward it. Last evaluated 2025-01-23.

Conditions:
Hereditary cancer-predisposing syndrome. Also called: Hereditary Cancer Syndrome; Neoplastic Syndromes, Hereditary; Tumor predisposition; Hereditary neoplastic syndrome. Identifiers: Orphanet 140162, MedGen C0027672, MeSH D009386, MONDO:0015356.
Hereditary diffuse gastric adenocarcinoma (HDGC). Also called: DIFFUSE GASTRIC AND LOBULAR BREAST CANCER SYNDROME. Identifiers: Orphanet 26106, MedGen C1708349, MONDO:0007648, OMIM 137215.
Malignant tumor of breast. Also called: Cancer breast; Malignant breast neoplasm. Identifiers: MedGen C0006142, MONDO:0007254. Disease mechanism: loss of function.

Allele frequency attached by ClinVar (database versions not stated): ExAC 0.00002; TOPMed below 0.00001; gnomAD 0.00001; gnomAD exomes 0.00001.
gnomAD v4.1: 15 of 1,614,208 alleles (0.00093%); highest among the groups gnomAD compares: Middle Eastern, 0.033%; no homozygotes.

Submissions (8):

Labcorp Genetics (formerly Invitae), Labcorp
Classification: Likely benign for Hereditary diffuse gastric adenocarcinoma. Last evaluated: 2025-01-23. Review status: criteria provided, single submitter. Criteria: Invitae Variant Classification Sherloc (09022015). Collection method: clinical testing. Allele origin: germline.

Myriad Genetics, Inc.
Classification: Benign for Hereditary diffuse gastric adenocarcinoma. Last evaluated: 2023-03-03. Review status: criteria provided, single submitter. Criteria: Myriad Autosomal Dominant, Autosomal Recessive and X-Linked Classification Criteria (2023). Collection method: clinical testing. Allele origin: unknown.
Comment: This variant is considered benign. This variant is a silent/synonymous amino acid change and it is not expected to impact splicing.

Quest Diagnostics Nichols Institute San Juan Capistrano
Classification: Likely benign. Last evaluated: 2020-10-22. Review status: criteria provided, single submitter. Criteria: Quest Diagnostics criteria. Collection method: clinical testing. Allele origin: unknown.

GeneDx
Classification: Likely benign. Last evaluated: 2018-01-19. Review status: criteria provided, single submitter. Criteria: GeneDx Variant Classification (06012015). Collection method: clinical testing. Allele origin: germline. Affected: yes.
Comment: This variant is considered likely benign or benign based on one or more of the following criteria: it is a conservative change, it occurs at a poorly conserved position in the protein, it is predicted to be benign by multiple in silico algorithms, and/or has population frequency not consistent with disease.

Color Diagnostics, LLC DBA Color Health
Classification: Likely benign for Hereditary cancer-predisposing syndrome. Last evaluated: 2017-02-21. Review status: criteria provided, single submitter. Criteria: ACMG Guidelines, 2015. Collection method: clinical testing. Allele origin: germline.

Ambry Genetics
Classification: Likely benign for Hereditary cancer-predisposing syndrome. Last evaluated: 2014-07-30. Review status: criteria provided, single submitter. Criteria: Ambry Variant Classification Scheme 2023. Collection method: clinical testing. Allele origin: germline.

Counsyl
Classification: Likely benign for Hereditary diffuse gastric adenocarcinoma. Last evaluated: 2018-04-06. Review status: no assertion criteria provided. Collection method: clinical testing. Allele origin: unknown. Not counted in ClinVar's aggregate classification.

Department of Pathology and Laboratory Medicine, Sinai Health System
Classification: Likely benign for Malignant tumor of breast. Review status: no assertion criteria provided. Collection method: clinical testing. Allele origin: unknown. Affected: yes. Study: The Canadian Open Genetics Repository (COGR). Not counted in ClinVar's aggregate classification.
Comment: The CDH1 p.Gln422= variant was not identified in the literature. The variant was identified in dbSNP (ID: rs776805501) as "With Uncertain significance allele", ClinVar (classified as likely benign by Ambry Genetics, Color, GeneDx and Counsyl; as uncertain significance by Invitae). The variant was identified in control databases in 3 of 246264 chromosomes at a frequency of 0.00001 (Genome Aggregation Database Feb 27, 2017). The variant was observed in the following populations: European Non-Finnish in 2 of 111714 chromosomes (freq: 0.00002), and South Asian in 1 of 30782 chromosomes (freq: 0.00003), while the variant was not observed in the African, Other, Latino, Ashkenazi Jewish, East Asian, and Finnish populations. The p.Gln422= variant is not expected to have clinical significance because it does not result in a change of amino acid and is not located in a known consensus splice site. In addition, in silico or computational prediction software programs (SpliceSiteFinder, MaxEntScan, NNSPLICE, GeneSplicer) do not predict a difference in splicing. The nucleotide is not highly conserved and an A>G substitution is observed in several mammalian species. In summary, based on the above information the clinical significance of this variant cannot be determined with certainty at this time although we would lean towards a more benign role for this variant. This variant is classified as likely benign.